The following is an entry in ClinVar:

NM_001267550.2(TTN):c.90720T>C (p.Asp30240=)

Genes: TTN-AS1 (TTN antisense RNA 1; plus strand), TTN (titin; minus strand). Cytogenetic location: 2q31.2.
Variant type: single nucleotide variant.
Coding change: c.90720T>C on transcript NM_001267550.2 (MANE Select); coding-DNA position 90720, T replaced by C.
Protein change: p.Asp30240=; no amino-acid change (aspartic acid 30240 retained).
Molecular consequence: synonymous variant.
Genome position (GRCh38, 1-based): chr2:178,552,180, A>G on the plus strand (T>C on the coding strand, the complement: TTN is on the minus strand). VCF-style: chr2-178552180-A-G. GRCh37 (hg19) VCF-style: chr2-179416907-A-G.
Other names: c.85797T>C, p.Asp28599= (NM_001256850.1); c.63525T>C, p.Asp21175= (NM_003319.4); c.83016T>C, p.Asp27672= (NM_133378.4); c.63900T>C, p.Asp21300= (NM_133432.3); c.64101T>C, p.Asp21367= (NM_133437.4).
Identifiers: ClinVar variation 509926 (VCV000509926.1), dbSNP rs1553539339, ClinGen allele CA430245372.

ClinVar aggregate classification (germline): Likely benign (1 of 4 stars; one submission).

Allele frequency attached by ClinVar (database versions not stated): gnomAD exomes below 0.00001.
gnomAD v4.1: 1 of 1,613,840 alleles (0.000062%); highest among the groups gnomAD compares: Non-Finnish European, 0.000085%; no homozygotes.

Submission:

GeneDx
Classification: Likely benign. Last evaluated: 2017-05-25. Review status: criteria provided, single submitter. Criteria: GeneDx Variant Classification (06012015). Collection method: clinical testing. Allele origin: germline. Affected: yes.
Comment: This variant is considered likely benign or benign based on one or more of the following criteria: it is a conservative change, it occurs at a poorly conserved position in the protein, it is predicted to be benign by multiple in silico algorithms, and/or has population frequency not consistent with disease.